The following is an entry in ClinVar:

NM_014249.4(NR2E3):c.296A>T (p.Gln99Leu)

Gene: NR2E3 (nuclear receptor subfamily 2 group E member 3; plus strand). Cytogenetic location: 15q23.
Variant type: single nucleotide variant.
Coding change: c.296A>T on transcript NM_014249.4 (MANE Select); coding-DNA position 296, A replaced by T.
Protein change: p.Gln99Leu; replaces glutamine 99 with leucine.
Molecular consequence: missense variant.
Genome position (GRCh38, 1-based): chr15:71,811,816, A>T. VCF-style: chr15-71811816-A-T. GRCh37 (hg19) VCF-style: chr15-72104156-A-T.
Other names: c.296A>T, p.Gln99Leu (NM_016346.4); short protein forms Q99L.
Identifiers: ClinVar variation 963876 (VCV000963876.9), dbSNP rs1392027026, ClinGen allele CA393032574.

ClinVar aggregate classification (germline): Uncertain significance (1 of 4 stars; one submission).

Allele frequency attached by ClinVar (database versions not stated): TOPMed below 0.00001; gnomAD exomes 0.00001.
gnomAD v4.1: 11 of 1,551,412 alleles (0.00071%); highest among the groups gnomAD compares: Non-Finnish European, 0.00096%; no homozygotes.

Submission:

Labcorp Genetics (formerly Invitae), Labcorp
Classification: Uncertain significance. Last evaluated: 2022-02-23. Review status: criteria provided, single submitter. Criteria: Invitae Variant Classification Sherloc (09022015). Collection method: clinical testing. Allele origin: germline.
Comment: This sequence change replaces glutamine, which is neutral and polar, with leucine, which is neutral and non-polar, at codon 99 of the NR2E3 protein (p.Gln99Leu). This variant is not present in population databases (gnomAD no frequency). This variant has not been reported in the literature in individuals affected with NR2E3-related conditions. ClinVar contains an entry for this variant (Variation ID: 963876). In summary, the available evidence is currently insufficient to determine the role of this variant in disease. Therefore, it has been classified as a Variant of Uncertain Significance.